The following is an entry in ClinVar:

ClinVar aggregate classification (germline): Uncertain significance (1 of 4 stars; one submission).

Conditions:
Neuropathy, hereditary sensory and autonomic, type 2A (HSAN2A). Also called: ACROOSTEOLYSIS, GIACCAI TYPE; ACROOSTEOLYSIS, NEUROGENIC; MORVAN DISEASE; NEUROPATHY, CONGENITAL SENSORY; NEUROPATHY, HEREDITARY SENSORY RADICULAR, AUTOSOMAL RECESSIVE; NEUROPATHY, HEREDITARY SENSORY, TYPE IIA. Identifiers: Orphanet 970, MedGen C2752089, MONDO:0024309, OMIM 201300.
Pseudohypoaldosteronism type 2C (PHA2C). Also called: Pseudohypoaldosteronism Type IIC. Identifiers: Orphanet 757, Orphanet 88940, MedGen C1840391, MONDO:0013778, OMIM 614492.

gnomAD v4.1: 4 of 1,614,208 alleles (0.00025%); highest among the groups gnomAD compares: Admixed American, 0.0033%; no homozygotes.

Submission:

Labcorp Genetics (formerly Invitae), Labcorp
Classification: Uncertain significance for Neuropathy, hereditary sensory and autonomic, type 2A; Pseudohypoaldosteronism type 2C. Last evaluated: 2025-05-18. Review status: criteria provided, single submitter. Criteria: Invitae Variant Classification Sherloc (09022015). Collection method: clinical testing. Allele origin: germline.
Comment: This sequence change replaces serine, which is neutral and polar, with phenylalanine, which is neutral and non-polar, at codon 2554 of the WNK1 protein (p.Ser2554Phe). This variant is present in population databases (rs767363022, gnomAD 0.003%). This variant has not been reported in the literature in individuals affected with WNK1-related conditions. Invitae Evidence Modeling of protein sequence and biophysical properties (such as structural, functional, and spatial information, amino acid conservation, physicochemical variation, residue mobility, and thermodynamic stability) indicates that this missense variant is not expected to disrupt WNK1 protein function with a negative predictive value of 95%. In summary, the available evidence is currently insufficient to determine the role of this variant in disease. Therefore, it has been classified as a Variant of Uncertain Significance.

NM_018979.4(WNK1):c.6905C>T (p.Ser2302Phe)

Gene: WNK1 (WNK lysine deficient protein kinase 1; plus strand). Cytogenetic location: 12p13.33.
Variant type: single nucleotide variant.
Coding change: c.6905C>T on transcript NM_018979.4 (MANE Select); coding-DNA position 6905, C replaced by T.
Protein change: p.Ser2302Phe; replaces serine 2302 with phenylalanine.
Molecular consequence: missense variant.
Genome position (GRCh38, 1-based): chr12:908,548, C>T. VCF-style: chr12-908548-C-T. GRCh37 (hg19) VCF-style: chr12-1017714-C-T.
Other names: c.7685C>T, p.Ser2562Phe (NM_001184985.2); c.6161C>T, p.Ser2054Phe (NM_014823.3); c.7661C>T, p.Ser2554Phe (NM_213655.5); short protein forms S2302F, S2562F, S2054F, S2554F.
Identifiers: ClinVar variation 4791626 (VCV004791626.1).